The following is an entry in ClinVar:

NM_002858.4(ABCD3):c.628-9_628-6del

Gene: ABCD3 (ATP binding cassette subfamily D member 3; plus strand). Cytogenetic location: 1p21.3.
Variant type: Microsatellite.
Coding change: c.628-9_628-6del on transcript NM_002858.4 (MANE Select); 9 bases into the intron before coding-DNA position 628 through 6 bases into the intron before coding-DNA position 628, 4 bases deleted (ATTT; older notation c.628-9_628-6delATTT).
Molecular consequence: intron variant.
Genome position (GRCh38, 1-based): chr1:94,478,250-94,478,253, ATTT deleted; deleting any 4 consecutive bases within chr1:94,478,245-94,478,253 gives the same sequence; the c. name uses the placement nearest the transcript's 3' end. VCF-style (leftmost placement, unchanged base first): chr1-94478244-ATATT-A. GRCh37 (hg19) VCF-style: chr1-94943800-ATATT-A.
Other names: NC_000001.10:g.94943806_94943809del; c.628-9_628-6delATTT (NM_002858.3); c.628-9_628-6del (NM_001122674.2).
Identifiers: ClinVar variation 1639252 (VCV001639252.12), dbSNP rs370227803, ClinGen allele CA960171.
Genomic context (GRCh38, chr1:94,478,244, plus strand): 5'-TAGTTAACATGTTGTATTAGCTATCATTCTAGTGCTTTAGTTTTAATTCTGTGTATTCTA[ATATT>A]TATTTTACAGCCATTTTTAGACATAGTTTTGTATATCTTTAAGTTAACGAGTGCAATTGG-3'

ClinVar aggregate classification (germline): Likely benign. Review status: criteria provided, multiple submitters, no conflicts (2 of 4 stars). 3 submissions from 3 submitters: Likely benign (2). 1 of the submissions does not count toward it. Last evaluated 2025-12-16.

Conditions:
ABCD3-related disorder. Also called: ABCD3-related condition.

Submissions (4):

Labcorp Genetics (formerly Invitae), Labcorp
Classification: Likely benign. Last evaluated: 2025-12-16. Review status: criteria provided, single submitter. Criteria: Invitae Variant Classification Sherloc (09022015). Collection method: clinical testing. Allele origin: germline.

Blueprint Genetics
Classification: Likely benign. Last evaluated: 2024-11-25. Review status: criteria provided, single submitter. Criteria: ACMG Guidelines, 2015. Collection method: clinical testing. Allele origin: germline.

PreventionGenetics, part of Exact Sciences
Classification: Likely benign for ABCD3-related condition. Last evaluated: 2019-07-19. Review status: no assertion criteria provided. Collection method: clinical testing. Allele origin: germline. Not counted in ClinVar's aggregate classification.
Comment: This variant is classified as likely benign based on ACMG/AMP sequence variant interpretation guidelines (Richards et al. 2015 PMID: 25741868, with internal and published modifications).

Dr. Peter K. Rogan Lab, Western University
No classification provided (evidence only). Condition: Colorectal cancer. Review status: no classification provided. Collection method: in vitro. Allele origin: not applicable. Functional consequence: retained intron. Not counted in ClinVar's aggregate classification.